The following is an entry in ClinVar:

ClinVar aggregate classification (germline): Uncertain significance (1 of 4 stars; one submission).

Conditions:
Early-infantile DEE. Also called: Early infantile epileptic encephalopathy; Early infantile epileptic encephalopathy with suppression bursts; Ohtahara syndrome. Identifiers: Orphanet 1934, MedGen C0393706, MONDO:0800491.

Submission:

Labcorp Genetics (formerly Invitae), Labcorp
Classification: Uncertain significance for Early-infantile DEE. Last evaluated: 2022-08-16. Review status: criteria provided, single submitter. Criteria: Invitae Variant Classification Sherloc (09022015). Collection method: clinical testing. Allele origin: germline.
Comment: This sequence change replaces leucine, which is neutral and non-polar, with proline, which is neutral and non-polar, at codon 1890 of the SCN8A protein (p.Leu1890Pro). This variant is not present in population databases (gnomAD no frequency). This variant has not been reported in the literature in individuals affected with SCN8A-related conditions. In summary, the available evidence is currently insufficient to determine the role of this variant in disease. Therefore, it has been classified as a Variant of Uncertain Significance. Algorithms developed to predict the effect of missense changes on protein structure and function are either unavailable or do not agree on the potential impact of this missense change (SIFT: "Deleterious"; PolyPhen-2: "Probably Damaging"; Align-GVGD: "Class C0"). ClinVar contains an entry for this variant (Variation ID: 1516533).

NM_001330260.2(SCN8A):c.5669T>C (p.Leu1890Pro)

Gene: SCN8A (sodium voltage-gated channel alpha subunit 8; plus strand). Cytogenetic location: 12q13.13.
Variant type: single nucleotide variant.
Coding change: c.5669T>C on transcript NM_001330260.2 (MANE Select); coding-DNA position 5669, T replaced by C.
Protein change: p.Leu1890Pro; replaces leucine 1890 with proline.
Molecular consequence: missense variant.
Genome position (GRCh38, 1-based): chr12:51,807,155, T>C. VCF-style: chr12-51807155-T-C. GRCh37 (hg19) VCF-style: chr12-52200939-T-C.
Other names: c.5546T>C, p.Leu1849Pro (NM_001177984.3, NM_001369788.1); c.5669T>C, p.Leu1890Pro (NM_014191.4); short protein forms L1890P, L1849P.
Identifiers: ClinVar variation 1516533 (VCV001516533.7), dbSNP rs2138944374, ClinGen allele CA384888421.